The following is an entry in ClinVar:

ClinVar aggregate classification (germline): Benign. Review status: criteria provided, multiple submitters, no conflicts (2 of 4 stars). 2 submissions from 2 submitters: Benign (2). Last evaluated 2018-06-16.

Allele frequency attached by ClinVar (database versions not stated): gnomAD 0.84946 and 0.85537; TOPMed 0.85258; 1000 Genomes Project 30x 0.88242; 1000 Genomes Project 0.88518.
gnomAD v4.1: 130,301 of 152,200 alleles (86%); highest among the groups gnomAD compares: East Asian, 100%; 56,092 homozygotes.

Submissions (2):

GeneDx
Classification: Benign. Last evaluated: 2018-06-16. Review status: criteria provided, single submitter. Criteria: GeneDx Variant Classification (06012015). Collection method: clinical testing. Allele origin: germline. Affected: yes.
Comment: This variant is considered likely benign or benign based on one or more of the following criteria: it is a conservative change, it occurs at a poorly conserved position in the protein, it is predicted to be benign by multiple in silico algorithms, and/or has population frequency not consistent with disease.

Breakthrough Genomics
Classification: Benign. Review status: criteria provided, single submitter. Criteria: ACMG Guidelines, 2015. Collection method: not provided. Allele origin: germline. Inheritance: Autosomal recessive inheritance. Affected: yes.

NM_001194998.2(CEP152):c.-7-163G>T

Gene: CEP152 (centrosomal protein 152; minus strand). Cytogenetic location: 15q21.1.
Variant type: single nucleotide variant.
Coding change: c.-7-163G>T on transcript NM_001194998.2 (MANE Select); 163 bases into the intron before 7 bases upstream of the start codon, G replaced by T.
Molecular consequence: intron variant.
Genome position (GRCh38, 1-based): chr15:48,805,819, C>A on the plus strand (G>T on the coding strand, the complement: CEP152 is on the minus strand). VCF-style: chr15-48805819-C-A. GRCh37 (hg19) VCF-style: chr15-49098016-C-A.
Other names: c.-7-163G>T (NM_014985.4).
Identifiers: ClinVar variation 678332 (VCV000678332.2), dbSNP rs1426200, ClinGen allele CA269528353.